The following is an entry in ClinVar:

ClinVar aggregate classification (germline): Benign/Likely benign. Review status: criteria provided, multiple submitters, no conflicts (2 of 4 stars). 6 submissions from 6 submitters: Benign (1); Likely benign (5). Last evaluated 2026-01-25.

Conditions:
Left ventricular noncompaction 8 (LVNC8). Identifiers: Orphanet 154, Orphanet 54260, MedGen C3809288, MONDO:0014152, OMIM 615373.

Submissions (6):

Labcorp Genetics (formerly Invitae), Labcorp
Classification: Likely benign for Left ventricular noncompaction 8. Last evaluated: 2026-01-25. Review status: criteria provided, single submitter. Criteria: Invitae Variant Classification Sherloc (09022015). Collection method: clinical testing. Allele origin: germline.

Women's Health and Genetics/Laboratory Corporation of America, LabCorp
Classification: Likely benign. Last evaluated: 2025-07-28. Review status: criteria provided, single submitter. Criteria: LabCorp Variant Classification Summary - May 2015. Collection method: clinical testing. Allele origin: germline.
Comment: Variant summary: PRDM16 c.3369_3371dupCGA (p.Asp1125dup) results in an in-frame duplication that is predicted to duplicate *** amino acids into the encoded protein. The variant allele was found at a frequency of 0.00051 in 247138 control chromosomes. The observed variant frequency is approximately 10.28 fold of the estimated maximal expected allele frequency for a pathogenic variant in PRDM16 causing Cardiomyopathy phenotype (5e-05). To our knowledge, no occurrence of c.3369_3371dupCGA in individuals affected with Cardiomyopathy and no experimental evidence demonstrating its impact on protein function have been reported. ClinVar contains an entry for this variant (Variation ID: 413868). Based on the evidence outlined above, the variant was classified as likely benign.

Laboratory of Genetics, Children's Clinical University Hospital Latvia
Classification: Likely benign. Last evaluated: 2025-02-16. Review status: criteria provided, single submitter. Criteria: ACMG Guidelines, 2015. Collection method: clinical testing. Allele origin: germline. Affected: yes.

Blueprint Genetics
Classification: Likely benign. Last evaluated: 2024-02-05. Review status: criteria provided, single submitter. Criteria: ACMG Guidelines, 2015. Collection method: clinical testing. Allele origin: germline.

GeneDx
Classification: Likely benign. Last evaluated: 2017-11-16. Review status: criteria provided, single submitter. Criteria: GeneDx Variant Classification (06012015). Collection method: clinical testing. Allele origin: germline. Affected: yes.
Comment: This variant is considered likely benign or benign based on one or more of the following criteria: it is a conservative change, it occurs at a poorly conserved position in the protein, it is predicted to be benign by multiple in silico algorithms, and/or has population frequency not consistent with disease.

Laboratory for Molecular Medicine, Mass General Brigham Personalized Medicine
Classification: Benign. Last evaluated: 2017-06-28. Review status: criteria provided, single submitter. Criteria: LMM Criteria. Collection method: clinical testing. Allele origin: germline. Observed: 1 variant allele.
Comment: p.Asp1125dup in exon 15 of PRDM16: This variant is not expected to have clinical significance as it is present in 1.077% of Ashkenazi Jewish chromosomes by the Genome Aggregation Database (gnomAD; dbSNP rs7 58774731). This variant represents an inframe duplication in a repetitive region containing several aspartic acids (Asp).

NM_022114.4(PRDM16):c.3366CGA[3] (p.Asp1125dup)

Gene: PRDM16 (PR/SET domain 16; plus strand). Cytogenetic location: 1p36.32.
Variant type: Microsatellite.
Coding change: c.3366CGA[3] on transcript NM_022114.4 (MANE Select); three copies in a row of the 3-base unit CGA starting at c.3366; the reference has two copies in a row; one copy, 3 bases duplicated; also written c.3369_3371dup.
Protein change: p.Asp1125dup; duplicates aspartic acid 1125.
Molecular consequence: inframe insertion.
Genome position (GRCh38, 1-based): chr1:3,430,956-3,430,958, CGA duplicated; duplicating any 3 consecutive bases within chr1:3,430,951-3,430,958 gives the same sequence; the position shown is the placement nearest the transcript's 3' end. VCF-style (leftmost placement, unchanged base first): chr1-3430950-G-GGAC. GRCh37 (hg19) VCF-style: chr1-3347514-G-GGAC.
Other names: p.Asp1125_Leu1126insAsp; c.3369_3371dup (NM_022114.3); c.3369_3371dupCGA (NM_022114.4); c.3366CGA[3], p.Asp1125dup (NM_199454.3).
Identifiers: ClinVar variation 413868 (VCV000413868.18), dbSNP rs758774731, ClinGen allele CA544848.
Genomic context (GRCh38, chr1:3,430,950, plus strand): 5'-GGACGGCAGTGCCCAGTGTCCAGGCCTAGCCAGTGAGAAGCAGGAGGACGTGGAGGAGGA[G>GGAC]GACGACGATGACCTGGAGGAGGACGATGAGGACAGCCTGGCCGGGAAGTCGCAGGATGAC-3'